The following is an entry in ClinVar:

ClinVar aggregate classification (germline): Conflicting classifications of pathogenicity. Review status: criteria provided, conflicting classifications (1 of 4 stars). 10 submissions from 10 submitters: Uncertain significance (3); Likely benign (1). 6 of the submissions do not count toward it. Last evaluated 2025-12-15.

Conditions:
Primary ciliary dyskinesia. Also called: Ciliary dyskinesia. Identifiers: Orphanet 244, MedGen C0008780, MONDO:0016575, HP:0012265.
Primary ciliary dyskinesia 3. Identifiers: Orphanet 244, MedGen C1837618, MONDO:0012085, OMIM 608644.

Allele frequency attached by ClinVar (database versions not stated): gnomAD 0.00025 and 0.00026; ExAC 0.00026; gnomAD exomes 0.00027 and 0.00052; TOPMed 0.00028; ESP Exome Variant Server 0.00046.

Submissions (10):

Labcorp Genetics (formerly Invitae), Labcorp
Classification: Likely benign for Primary ciliary dyskinesia. Last evaluated: 2025-12-15. Review status: criteria provided, single submitter. Criteria: Invitae Variant Classification Sherloc (09022015). Collection method: clinical testing. Allele origin: germline.

Illumina Laboratory Services, Illumina
Classification: Uncertain significance for Primary ciliary dyskinesia 3. Last evaluated: 2018-01-12. Review status: criteria provided, single submitter. Criteria: ICSL Variant Classification Criteria 13 December 2019. Collection method: clinical testing. Allele origin: germline.

Ambry Genetics
Classification: Uncertain significance for Primary ciliary dyskinesia. Last evaluated: 2017-04-03. Review status: criteria provided, single submitter. Criteria: Ambry Variant Classification Scheme 2023. Collection method: clinical testing. Allele origin: germline.
Comment: The p.R1654Q variant (also known as c.4961G>A), located in coding exon 31 of the DNAH5 gene, results from a G to A substitution at nucleotide position 4961. The arginine at codon 1654 is replaced by glutamine, an amino acid with highly similar properties. This amino acid position is well conserved in available vertebrate species. In addition, this alteration is predicted to be tolerated by in silico analysis. Since supporting evidence is limited at this time, the clinical significance of this alteration remains unclear.

GeneDx
Classification: Uncertain significance. Last evaluated: 2016-04-27. Review status: criteria provided, single submitter. Criteria: GeneDx Variant Classification (06012015). Collection method: clinical testing. Allele origin: germline. Affected: yes.
Comment: The R1654Q variant in the DNAH5 gene has not been reported previously as a pathogenic variant, nor as a benign variant, to our knowledge. The R1654Q variant was not observed at any significant frequency in approximately 6500 individuals of European and African American ancestry in an external variant database, indicating it is not a common benign variant in these populations. The R1654Q variant is a semi-conservative amino acid substitution, which may impact secondary protein structure as these residues differ in some properties. This substitution occurs at a position that is not conserved across species. In silico analysis predicts this variant is probably damaging to the protein structure/function. We interpret R1654Q as a variant of uncertain significance.

Natera, Inc.
Classification: Uncertain significance for Primary ciliary dyskinesia. Last evaluated: 2020-01-24. Review status: no assertion criteria provided. Collection method: clinical testing. Allele origin: germline. Not counted in ClinVar's aggregate classification.

Counsyl
Classification: Uncertain significance for Primary ciliary dyskinesia 3. Last evaluated: 2018-04-05. Review status: no assertion criteria provided. Collection method: clinical testing. Allele origin: unknown. Not counted in ClinVar's aggregate classification.

Clinical Genetics DNA and cytogenetics Diagnostics Lab, Erasmus MC, Erasmus Medical Center
Classification: Uncertain significance. Review status: no assertion criteria provided. Collection method: clinical testing. Allele origin: germline. Affected: yes. Study: VKGL Data-share Consensus. Not counted in ClinVar's aggregate classification.

Diagnostic Laboratory, Department of Genetics, University Medical Center Groningen
Classification: Uncertain significance. Review status: no assertion criteria provided. Collection method: clinical testing. Allele origin: germline. Affected: yes. Study: VKGL Data-share Consensus. Not counted in ClinVar's aggregate classification.

Genome Diagnostics Laboratory, Amsterdam University Medical Center
Classification: Uncertain significance. Review status: no assertion criteria provided. Collection method: clinical testing. Allele origin: germline. Affected: yes. Study: VKGL Data-share Consensus. Not counted in ClinVar's aggregate classification.

Laboratory of Diagnostic Genome Analysis, Leiden University Medical Center (LUMC)
Classification: Uncertain significance. Review status: no assertion criteria provided. Collection method: clinical testing. Allele origin: germline. Affected: yes. Study: VKGL Data-share Consensus. Not counted in ClinVar's aggregate classification.

NM_001369.3(DNAH5):c.4961G>A (p.Arg1654Gln)

Gene: DNAH5 (dynein axonemal heavy chain 5; minus strand). Cytogenetic location: 5p15.2.
Variant type: single nucleotide variant.
Coding change: c.4961G>A on transcript NM_001369.3 (MANE Select); coding-DNA position 4961, G replaced by A.
Protein change: p.Arg1654Gln; replaces arginine 1654 with glutamine.
Molecular consequence: missense variant.
Genome position (GRCh38, 1-based): chr5:13,850,805, C>T on the plus strand (G>A on the coding strand, the complement: DNAH5 is on the minus strand). VCF-style: chr5-13850805-C-T. GRCh37 (hg19) VCF-style: chr5-13850914-C-T.
Other names: short protein forms R1654Q.
Identifiers: ClinVar variation 238977 (VCV000238977.26), dbSNP rs150868941, ClinGen allele CA3203823.